The following is an entry in ClinVar:

NM_005751.5(AKAP9):c.7427C>T (p.Ser2476Phe)

Gene: AKAP9 (A-kinase anchoring protein 9; plus strand). Cytogenetic location: 7q21.2.
Variant type: single nucleotide variant.
Coding change: c.7427C>T on transcript NM_005751.5 (MANE Select); coding-DNA position 7427, C replaced by T.
Protein change: p.Ser2476Phe; replaces serine 2476 with phenylalanine.
Molecular consequence: missense variant.
Genome position (GRCh38, 1-based): chr7:92,079,560, C>T. VCF-style: chr7-92079560-C-T. GRCh37 (hg19) VCF-style: chr7-91708874-C-T.
Other names: c.2072C>T, p.Ser691Phe (NM_001379277.1); c.7403C>T, p.Ser2468Phe (NM_147185.3); short protein forms S2476F, S691F, S2468F.
Identifiers: ClinVar variation 2564464 (VCV002564464.2), dbSNP rs1813174207, ClinGen allele CA368135710.

ClinVar aggregate classification (germline): Uncertain significance (1 of 4 stars; one submission).

Conditions:
Cardiovascular phenotype. Identifiers: MedGen CN230736.

Allele frequency attached by ClinVar (database versions not stated): TOPMed below 0.00001.

Submission:

Ambry Genetics
Classification: Uncertain significance for Cardiovascular phenotype. Last evaluated: 2023-04-14. Review status: criteria provided, single submitter. Criteria: Ambry Variant Classification Scheme 2023. Collection method: clinical testing. Allele origin: germline.
Comment: The p.S2476F variant (also known as c.7427C>T), located in coding exon 31 of the AKAP9 gene, results from a C to T substitution at nucleotide position 7427. The serine at codon 2476 is replaced by phenylalanine, an amino acid with highly dissimilar properties. This amino acid position is conserved. In addition, this alteration is predicted to be tolerated by in silico analysis. Since supporting evidence is limited at this time, the clinical significance of this alteration remains unclear.